The following is an entry in ClinVar:

ClinVar aggregate classification (germline): Benign (1 of 4 stars; one submission).

Allele frequency attached by ClinVar (database versions not stated): gnomAD 0.11224 and 0.11339; TOPMed 0.11801; 1000 Genomes Project 0.09325; 1000 Genomes Project 30x 0.09447.
gnomAD v4.1: 17,174 of 151,628 alleles (11%); highest among the groups gnomAD compares: Admixed American, 19%; 1,264 homozygotes.

Submission:

GeneDx
Classification: Benign. Last evaluated: 2018-06-14. Review status: criteria provided, single submitter. Criteria: GeneDx Variant Classification (06012015). Collection method: clinical testing. Allele origin: germline. Affected: yes.
Comment: This variant is considered likely benign or benign based on one or more of the following criteria: it is a conservative change, it occurs at a poorly conserved position in the protein, it is predicted to be benign by multiple in silico algorithms, and/or has population frequency not consistent with disease.

NM_182476.3(COQ6):c.1377+245A>G

Genes: COQ6 (coenzyme Q6, monooxygenase; plus strand), ENTPD5 (ectonucleoside triphosphate diphosphohydrolase 5; minus strand). Cytogenetic location: 14q24.3.
Variant type: single nucleotide variant.
Coding change: c.1377+245A>G on transcript NM_182476.3 (MANE Select); 245 bases into the intron after coding-DNA position 1377, A replaced by G.
Molecular consequence: intron variant.
Genome position (GRCh38, 1-based): chr14:73,962,148, A>G. VCF-style: chr14-73962148-A-G. GRCh37 (hg19) VCF-style: chr14-74428851-A-G.
Other names: c.1194+245A>G (NM_001425258.1); c.1152+245A>G (NM_001425259.1, NM_001425261.1, NM_001425260.1); c.1302+245A>G (NM_182480.3); c.1050+245A>G (NM_001425263.1); c.1210+578A>G (NM_001425255.1); c.1269+245A>G (NM_001425256.1); c.837+245A>G (NM_001425265.1, NM_001425264.1); c.1122+245A>G (NM_001425262.1); and 5 more.
Identifiers: ClinVar variation 669473 (VCV000669473.3), dbSNP rs12880050, ClinGen allele CA16493461.